The following is an entry in ClinVar:

NM_001191061.2(SLC25A22):c.858G>C (p.Lys286Asn)

Gene: SLC25A22 (solute carrier family 25 member 22; minus strand). Cytogenetic location: 11p15.5.
Variant type: single nucleotide variant.
Coding change: c.858G>C on transcript NM_001191061.2 (MANE Select); coding-DNA position 858, G replaced by C.
Protein change: p.Lys286Asn; replaces lysine 286 with asparagine.
Molecular consequence: missense variant. On other transcripts: 3 prime UTR variant (2).
Genome position (GRCh38, 1-based): chr11:792,029, C>G on the plus strand (G>C on the coding strand, the complement: SLC25A22 is on the minus strand). VCF-style: chr11-792029-C-G. GRCh37 (hg19) VCF-style: chr11-792029-C-G.
Other names: c.933G>C, p.Lys311Asn (NM_001425334.1); c.897G>C, p.Lys299Asn (NM_001425335.1); c.873G>C, p.Lys291Asn (NM_001425336.1); c.858G>C, p.Lys286Asn (NM_001425337.1, NM_001425338.1, NM_001425339.1 and 2 more transcripts); c.855G>C, p.Lys285Asn (NM_001425340.1); c.846G>C, p.Lys282Asn (NM_001425341.1); c.*2G>C (NM_001425342.1); c.*38G>C (NM_001425343.1); and 1 more; short protein forms K286N, K311N, K282N, K180N, K299N, K285N, K291N.
Identifiers: ClinVar variation 4761315 (VCV004761315.1).
Genomic context (GRCh38, chr11:792,029, plus strand): 5'-GTAGACCACCTGTGCGATGCCGAAAAGGGGCGCGATGACCAGCGCGCGGCAGTAGGCGCC[C>G]TTCAGGAAGGCCGAGGGGCCCTCGTGCCGCAGGATCTTCCTGTGGAGGAAGGACGAAAGG-3'
Protein context (NP_001177990.1, residues 276-296): LRHEGPSAFL[Lys286Asn]GAYCRALVIA

ClinVar aggregate classification (germline): Uncertain significance (1 of 4 stars; one submission).

Conditions:
Early-infantile DEE. Also called: Early infantile epileptic encephalopathy with suppression bursts; Early infantile epileptic encephalopathy; Ohtahara syndrome. Identifiers: Orphanet 1934, MedGen C0393706, MONDO:0800491.

Submission:

Labcorp Genetics (formerly Invitae), Labcorp
Classification: Uncertain significance for Early-infantile DEE. Last evaluated: 2026-01-05. Review status: criteria provided, single submitter. Criteria: Invitae Variant Classification Sherloc (09022015). Collection method: clinical testing. Allele origin: germline.
Comment: This sequence change replaces lysine, which is basic and polar, with asparagine, which is neutral and polar, at codon 286 of the SLC25A22 protein (p.Lys286Asn). This variant is not present in population databases (gnomAD no frequency). This variant has not been reported in the literature in individuals affected with SLC25A22-related conditions. Invitae Evidence Modeling of protein sequence and biophysical properties (such as structural, functional, and spatial information, amino acid conservation, physicochemical variation, residue mobility, and thermodynamic stability) indicates that this missense variant is expected to disrupt SLC25A22 protein function with a positive predictive value of 80%. In summary, the available evidence is currently insufficient to determine the role of this variant in disease. Therefore, it has been classified as a Variant of Uncertain Significance.